The following is an entry in ClinVar:

ClinVar aggregate classification (germline): Benign/Likely benign. Review status: criteria provided, multiple submitters, no conflicts (2 of 4 stars). 17 submissions from 16 submitters: Benign (12); Likely benign (1). 4 of the submissions do not count toward it. Last evaluated 2026-02-03.

Conditions:
Hereditary cancer-predisposing syndrome. Also called: Tumor predisposition; Neoplastic Syndromes, Hereditary; Hereditary neoplastic syndrome; Hereditary Cancer Syndrome. Identifiers: Orphanet 140162, MedGen C0027672, MeSH D009386, MONDO:0015356.
Holoprosencephaly 7 (HPE7). Identifiers: Orphanet 2162, MedGen C1835820, MONDO:0012562, OMIM 610828.
Gorlin syndrome. Also called: Nevoid Basal Cell Carcinoma Syndrome; Basal cell nevus syndrome. Identifiers: Orphanet 377, MedGen C0004779, MONDO:0007187.

Allele frequency attached by ClinVar (database versions not stated): gnomAD exomes 0.00086 and 0.00224; ExAC 0.00269; ESP Exome Variant Server 0.00819; gnomAD 0.00885 and 0.00959; 1000 Genomes Project 0.00899; TOPMed 0.00963; 1000 Genomes Project 30x 0.01062.
gnomAD v4.1: 2,651 of 1,605,002 alleles (0.17%); highest among the groups gnomAD compares: African/African-American, 3%; 51 homozygotes.

Submissions (17):

Labcorp Genetics (formerly Invitae), Labcorp
Classification: Benign for Gorlin syndrome. Last evaluated: 2026-02-03. Review status: criteria provided, single submitter. Criteria: Invitae Variant Classification Sherloc (09022015). Collection method: clinical testing. Allele origin: germline.

Women's Health and Genetics/Laboratory Corporation of America, LabCorp
Classification: Likely benign. Last evaluated: 2025-07-11. Review status: criteria provided, single submitter. Criteria: LabCorp Variant Classification Summary - May 2015. Collection method: clinical testing. Allele origin: germline.

Quest Diagnostics Nichols Institute San Juan Capistrano
Classification: Benign. Last evaluated: 2025-05-12. Review status: criteria provided, single submitter. Criteria: Quest Diagnostics criteria. Collection method: clinical testing. Allele origin: unknown.

Center for Genomic Medicine, Rigshospitalet, Copenhagen University Hospital
Classification: Benign. Last evaluated: 2025-03-04. Review status: criteria provided, single submitter. Criteria: ACMG Guidelines, 2015. Collection method: clinical testing. Allele origin: germline.

ARUP Laboratories, Molecular Genetics and Genomics, ARUP Laboratories
Classification: Benign. Last evaluated: 2023-11-22. Review status: criteria provided, single submitter. Criteria: ARUP Molecular Germline Variant Investigation Process 2024. Collection method: clinical testing. Allele origin: germline.

KCCC/NGS Laboratory, Kuwait Cancer Control Center
Classification: Benign for Basal cell nevus syndrome 1. Last evaluated: 2023-07-07. Review status: criteria provided, single submitter. Criteria: ACMG Guidelines, 2015. Collection method: clinical testing. Allele origin: germline. Affected: yes.

Genetic Services Laboratory, University of Chicago
Classification: Benign. Last evaluated: 2021-11-26. Review status: criteria provided, single submitter. Criteria: ACMG Guidelines, 2015. Collection method: clinical testing. Allele origin: germline. Affected: no.

Illumina Laboratory Services, Illumina
Classification: Benign for Holoprosencephaly 7. Last evaluated: 2018-01-13. Review status: criteria provided, single submitter. Criteria: ICSL Variant Classification Criteria 13 December 2019. Collection method: clinical testing. Allele origin: germline.
Comment: This variant was observed in the ICSL laboratory as part of a predisposition screen in an ostensibly healthy population. It had not been previously curated by ICSL or reported in the Human Gene Mutation Database (HGMD: prior to June 1st, 2018), and was therefore a candidate for classification through an automated scoring system. Utilizing variant allele frequency, disease prevalence and penetrance estimates, and inheritance mode, an automated score was calculated to assess if this variant is too frequent to cause the disease. Based on the score and internal cut-off values, a variant classified as benign is not then subjected to further curation. The score for this variant resulted in a classification of benign for this disease.

Illumina Laboratory Services, Illumina
Classification: Benign for Basal cell nevus syndrome 1. Last evaluated: 2018-01-13. Review status: criteria provided, single submitter. Criteria: ICSL Variant Classification Criteria 13 December 2019. Collection method: clinical testing. Allele origin: germline.
Comment: the same text as in the submission from Illumina Laboratory Services, Illumina above.

GeneDx
Classification: Benign. Last evaluated: 2015-03-03. Review status: criteria provided, single submitter. Criteria: GeneDx Variant Classification Process June 2021. Collection method: clinical testing. Allele origin: germline. Affected: yes.
Comment: This variant is associated with the following publications: (PMID: 24728327)

Ambry Genetics
Classification: Benign for Hereditary cancer-predisposing syndrome. Last evaluated: 2015-01-28. Review status: criteria provided, single submitter. Criteria: Ambry Variant Classification Scheme 2023. Collection method: clinical testing. Allele origin: germline.

Breakthrough Genomics
Classification: Benign. Review status: criteria provided, single submitter. Criteria: ACMG Guidelines, 2015. Collection method: not provided. Allele origin: germline. Inheritance: Autosomal dominant inheritance. Affected: yes.

PreventionGenetics, part of Exact Sciences
Classification: Benign. Review status: criteria provided, single submitter. Criteria: ACMG Guidelines, 2015. Collection method: clinical testing. Allele origin: germline.

ITMI
No classification provided. Condition: AllHighlyPenetrant. Last evaluated: 2013-09-19. Review status: no classification provided. Collection method: reference population. Allele origin: germline. Not counted in ClinVar's aggregate classification.
Comment: Please see associated publication for description of ethnicities

Biesecker Lab/Clinical Genomics Section, National Institutes of Health
Classification: Benign. Last evaluated: 2012-07-13. Review status: no assertion criteria provided. Collection method: research. Allele origin: germline. Affected: no. Observed: 1 variant allele. Study: ClinSeq. Not counted in ClinVar's aggregate classification.
ClinVar note: Converted during submission from no known pathogenicity to Benign.

Clinical Genetics DNA and cytogenetics Diagnostics Lab, Erasmus MC, Erasmus Medical Center
Classification: Benign. Review status: no assertion criteria provided. Collection method: clinical testing. Allele origin: germline. Affected: yes. Study: VKGL Data-share Consensus. Not counted in ClinVar's aggregate classification.

Laboratory of Diagnostic Genome Analysis, Leiden University Medical Center (LUMC)
Classification: Likely benign. Review status: no assertion criteria provided. Collection method: clinical testing. Allele origin: germline. Affected: yes. Study: VKGL Data-share Consensus. Not counted in ClinVar's aggregate classification.

Literature cited by the submitters: PubMed 24728327 (cited by ITMI).

NM_000264.5(PTCH1):c.3845C>T (p.Pro1282Leu)

Gene: PTCH1 (patched 1; minus strand). Cytogenetic location: 9q22.32.
Variant type: single nucleotide variant.
Coding change: c.3845C>T on transcript NM_000264.5 (MANE Select); coding-DNA position 3845, C replaced by T.
Protein change: p.Pro1282Leu; replaces proline 1282 with leucine.
Molecular consequence: missense variant. On other transcripts: non-coding transcript variant (1).
Genome position (GRCh38, 1-based): chr9:95,447,411, G>A on the plus strand (C>T on the coding strand, the complement: PTCH1 is on the minus strand). VCF-style: chr9-95447411-G-A. GRCh37 (hg19) VCF-style: chr9-98209693-G-A.
Other names: c.3647C>T, p.Pro1216Leu (NM_001083602.3); c.3842C>T, p.Pro1281Leu (NM_001083603.3); c.3392C>T, p.Pro1131Leu (NM_001083604.3, NM_001083605.3, NM_001083606.3 and 1 more transcripts); c.3689C>T, p.Pro1230Leu (NM_001354918.2); short protein forms P1216L, P1282L, P1281L, P1131L, P1230L.
Identifiers: ClinVar variation 41661 (VCV000041661.44), dbSNP rs2227968, ClinGen allele CA161719.